The following is an entry in ClinVar:

ClinVar aggregate classification (germline): Uncertain significance (1 of 4 stars; one submission).

Conditions:
Familial cancer of breast. Also called: hereditary breast carcinoma; Hereditary breast cancer; BREAST CANCER, FAMILIAL. Identifiers: Orphanet 227535, MedGen C0346153, MONDO:0016419, OMIM 114480. Disease mechanism: loss of function.

Submission:

Labcorp Genetics (formerly Invitae), Labcorp
Classification: Uncertain significance for Familial cancer of breast. Last evaluated: 2022-11-10. Review status: criteria provided, single submitter. Criteria: Invitae Variant Classification Sherloc (09022015). Collection method: clinical testing. Allele origin: germline.
Comment: This sequence change replaces proline, which is neutral and non-polar, with threonine, which is neutral and polar, at codon 60 of the BARD1 protein (p.Pro60Thr). This variant is not present in population databases (gnomAD no frequency). This variant has not been reported in the literature in individuals affected with BARD1-related conditions. Algorithms developed to predict the effect of missense changes on protein structure and function (SIFT, PolyPhen-2, Align-GVGD) all suggest that this variant is likely to be disruptive. In summary, the available evidence is currently insufficient to determine the role of this variant in disease. Therefore, it has been classified as a Variant of Uncertain Significance.

NM_000465.4(BARD1):c.178C>A (p.Pro60Thr)

Gene: BARD1 (BRCA1 associated RING domain 1; minus strand). Cytogenetic location: 2q35.
Variant type: single nucleotide variant.
Coding change: c.178C>A on transcript NM_000465.4 (MANE Select); coding-DNA position 178, C replaced by A.
Protein change: p.Pro60Thr; replaces proline 60 with threonine.
Molecular consequence: missense variant. On other transcripts: non-coding transcript variant (2), intron variant (2).
Genome position (GRCh38, 1-based): chr2:214,797,098, G>T on the plus strand (C>A on the coding strand, the complement: BARD1 is on the minus strand). VCF-style: chr2-214797098-G-T. GRCh37 (hg19) VCF-style: chr2-215661822-G-T.
Other names: c.178C>A, p.Pro60Thr (NM_001282545.2, NM_001282549.2); c.158+12314C>A (NM_001282548.2); c.159-4653C>A (NM_001282543.2); short protein forms P60T.
Identifiers: ClinVar variation 2996236 (VCV002996236.3), dbSNP rs2106145690, ClinGen allele CA350462284.